The following is an entry in ClinVar:

NC_012920.1(MT-CYB):m.16319G>A

Gene: MT-CYB (mitochondrially encoded cytochrome b; plus strand).
Variant type: single nucleotide variant.
Genome position: chrM-16319-G-A.
Identifiers: ClinVar variation 1526264 (VCV001526264.3), dbSNP rs35105996, ClinGen allele CA337100908.
Genomic context (GRCh38, chrMT:16,319, plus strand): 5'-CCCCTCACCCACTAGGATACCAACAAACCTACCCACCCTTAACAGTACATAGTACATAAA[G>A]CCATTTACCGTACATAGCACATTACAGTCAAATCCCTTCTCGTCCCCATGGATGACCCCC-3'

ClinVar aggregate classification (germline): Benign. Review status: criteria provided, single submitter (1 of 4 stars). 2 submissions from 2 submitters: Benign (1). 1 of the submissions does not count toward it. Last evaluated 2025-02-07.

Conditions:
MERRF syndrome (MERRF). Also called: Myoclonus with epilepsy with ragged red fibers; MYOCLONIC EPILEPSY ASSOCIATED WITH RAGGED-RED FIBERS; Myoencephalopathy ragged-red fiber disease. Identifiers: Orphanet 551, MedGen C0162672, MONDO:0010790, OMIM 545000.
Mitochondrial inheritance. Identifiers: MedGen C0887941, HP:0001427.

Submissions (2):

Mendelics
Classification: Benign for MERRF syndrome. Last evaluated: 2025-02-07. Review status: criteria provided, single submitter. Criteria: ACMG Guidelines, 2015. Collection method: clinical testing. Allele origin: unknown.
Comment: This variant is considered likely benign or benign based on one or more of the following: it is predicted to be benign by multiple in silico algorithms, and/or has population frequency not consistent with disease, and/or has normal protein function, and/or has lack of segregation with disease, and/or has been detected in co-occurrence with known pathogenic variant, and/or has lack of disease association in case-control studies, and/or is located in a region inconsistent with a known cause of pathogenicity. GnomAD 4.1.0 frequency 0.01422 homoplsmic/6 heteroplasmic

Department of Pediatrics, Division of Medical Genetics, Faculty of Medicine Ramathibodi Hospital, Mahidol University
Classification: Uncertain significance for Mitochondrial inheritance. Review status: no assertion criteria provided. Collection method: research. Allele origin: maternal. Inheritance: Mitochondrial inheritance. Affected: yes. Not counted in ClinVar's aggregate classification.